The following is an entry in ClinVar:

ClinVar aggregate classification (germline): Uncertain significance. Review status: criteria provided, multiple submitters, no conflicts (2 of 4 stars). 2 submissions from 2 submitters: Uncertain significance (2). Last evaluated 2025-11-16.

Conditions:
Hereditary cancer-predisposing syndrome. Also called: Tumor predisposition; Hereditary Cancer Syndrome; Hereditary neoplastic syndrome; Neoplastic Syndromes, Hereditary. Identifiers: Orphanet 140162, MedGen C0027672, MeSH D009386, MONDO:0015356.
Familial adenomatous polyposis 1 (FAP1). Also called: FAMILIAL ADENOMATOUS POLYPOSIS 1, ATTENUATED; POLYPOSIS, ADENOMATOUS INTESTINAL. Identifiers: MedGen C2713442, MONDO:0021056, OMIM 175100. Disease mechanism: loss of function.

Submissions (2):

Labcorp Genetics (formerly Invitae), Labcorp
Classification: Uncertain significance for Familial adenomatous polyposis 1. Last evaluated: 2025-11-16. Review status: criteria provided, single submitter. Criteria: Invitae Variant Classification Sherloc (09022015). Collection method: clinical testing. Allele origin: germline.
Comment: This sequence change replaces glutamic acid, which is acidic and polar, with aspartic acid, which is acidic and polar, at codon 268 of the APC protein (p.Glu268Asp). This variant is not present in population databases (gnomAD no frequency). This missense change has been observed in individual(s) with clinical features of familial adenomatous polyposis (PMID: 23159591). ClinVar contains an entry for this variant (Variation ID: 1467059). Invitae Evidence Modeling of protein sequence and biophysical properties (such as structural, functional, and spatial information, amino acid conservation, physicochemical variation, residue mobility, and thermodynamic stability) indicates that this missense variant is not expected to disrupt APC protein function with a negative predictive value of 95%. In summary, the available evidence is currently insufficient to determine the role of this variant in disease. Therefore, it has been classified as a Variant of Uncertain Significance.

Ambry Genetics
Classification: Uncertain significance for Hereditary cancer-predisposing syndrome. Last evaluated: 2024-02-29. Review status: criteria provided, single submitter. Criteria: Ambry Variant Classification Scheme 2023. Collection method: clinical testing. Allele origin: germline.
Comment: The p.E268D variant (also known as c.804A>C), located in coding exon 7 of the APC gene, results from an A to C substitution at nucleotide position 804. The glutamic acid at codon 268 is replaced by aspartic acid, an amino acid with highly similar properties. In a large (n=1591) series of patients referred for APC testing, this alteration was detected in 1 individual (Kerr SE et al. J Mol Diagn, 2013 Jan;15:31-43). This amino acid position is well conserved in available vertebrate species. In addition, in silico predictors for this gene do not accurately predict pathogenicity. Based on the available evidence, the clinical significance of this alteration remains unclear.

Literature cited by the submitters: PubMed 23159591 (cited by Labcorp Genetics (formerly Invitae), Labcorp and Ambry Genetics).

NM_000038.6(APC):c.804A>C (p.Glu268Asp)

Gene: APC (APC regulator of Wnt signaling pathway; plus strand). Cytogenetic location: 5q22.2.
Variant type: single nucleotide variant.
Coding change: c.804A>C on transcript NM_000038.6 (MANE Select); coding-DNA position 804, A replaced by C.
Protein change: p.Glu268Asp; replaces glutamic acid 268 with aspartic acid.
Molecular consequence: missense variant. On other transcripts: 5 prime UTR variant (1).
Genome position (GRCh38, 1-based): chr5:112,801,353, A>C. VCF-style: chr5-112801353-A-C. GRCh37 (hg19) VCF-style: chr5-112137050-A-C.
Other names: c.804A>C, p.Glu268Asp (NM_001127510.3, NM_001354895.2, NM_001354896.2 and 1 more transcripts); c.750A>C, p.Glu250Asp (NM_001127511.3); c.834A>C, p.Glu278Asp (NM_001354897.2, NM_001354902.2); c.729A>C, p.Glu243Asp (NM_001354898.2, NM_001354904.2); c.720A>C, p.Glu240Asp (NM_001354899.2); c.627A>C, p.Glu209Asp (NM_001354900.2, NM_001354901.2, NM_001354905.2); c.-232A>C (NM_001354906.2); c.804A>C (NM_000038.5); short protein forms E240D, E250D, E268D, E209D, E243D, E278D.
Identifiers: ClinVar variation 1467059 (VCV001467059.9), dbSNP rs970071415, ClinGen allele CA16023087.
Genomic context (GRCh38, chr5:112,801,353, plus strand): 5'-CAAGCATGAAACCGGCTCACATGATGCTGAGCGGCAGAATGAAGGTCAAGGAGTGGGAGA[A>C]ATCAACATGGCAACTTCTGGTAATGGTCAGGTAAATAAATTATTTTATCATATTTTTTAA-3'
Protein context (NP_000029.2, residues 258-278): ERQNEGQGVG[Glu268Asp]INMATSGNGQ